The following is an entry in ClinVar:

NM_001378969.1(KCND3):c.1070C>T (p.Ser357Leu)

Gene: KCND3 (potassium voltage-gated channel subfamily D member 3; minus strand). Cytogenetic location: 1p13.2.
Variant type: single nucleotide variant.
Coding change: c.1070C>T on transcript NM_001378969.1 (MANE Select); coding-DNA position 1070, C replaced by T.
Protein change: p.Ser357Leu; replaces serine 357 with leucine.
Molecular consequence: missense variant.
Genome position (GRCh38, 1-based): chr1:111,981,657, G>A on the plus strand (C>T on the coding strand, the complement: KCND3 is on the minus strand). VCF-style: chr1-111981657-G-A. GRCh37 (hg19) VCF-style: chr1-112524279-G-A.
Other names: c.1070C>T, p.Ser357Leu (NM_001378970.1, NM_004980.5, NM_172198.3); c.1070C>T (LRG_445t1, NM_004980.4); short protein forms S357L.
Identifiers: ClinVar variation 827788 (VCV000827788.7), dbSNP rs867628133, ClinGen allele CA29326273.

ClinVar aggregate classification (germline): Conflicting classifications of pathogenicity. Review status: criteria provided, conflicting classifications (1 of 4 stars). 3 submissions from 3 submitters: Likely pathogenic (2); Uncertain significance (1). Last evaluated 2023-12-12.

Conditions:
Cardiovascular phenotype. Identifiers: MedGen CN230736.
Spinocerebellar ataxia type 19/22 (SCA19). Also called: SPINOCEREBELLAR ATAXIA 22; SPINOCEREBELLAR ATAXIA 19. Identifiers: Orphanet 98772, MedGen C1846367, MONDO:0011819, OMIM 607346.

Submissions (3):

Institute of Medical Genetics and Applied Genomics, University Hospital Tübingen
Classification: Likely pathogenic for Spinocerebellar ataxia type 19/22. Last evaluated: 2023-12-12. Review status: criteria provided, single submitter. Criteria: ACMG Guidelines, 2015. Collection method: clinical testing. Allele origin: germline. Inheritance: Autosomal dominant inheritance. Affected: yes.

Ambry Genetics
Classification: Uncertain significance for Cardiovascular phenotype. Last evaluated: 2023-03-24. Review status: criteria provided, single submitter. Criteria: Ambry Variant Classification Scheme 2023. Collection method: clinical testing. Allele origin: germline.
Comment: The p.S357L variant (also known as c.1070C>T), located in coding exon 1 of the KCND3 gene, results from a C to T substitution at nucleotide position 1070. The serine at codon 357 is replaced by leucine, an amino acid with dissimilar properties. This variant has been detected in an individual reported to have cerebellar ataxia (Thomas Q et al. J Med Genet, 2022 May;59:445-452). This amino acid position is highly conserved in available vertebrate species. In addition, this alteration is predicted to be deleterious by in silico analysis. Since supporting evidence is limited at this time, the clinical significance of this alteration remains unclear.

Equipe Genetique des Anomalies du Developpement, Université de Bourgogne
Classification: Likely pathogenic for Spinocerebellar ataxia type 19/22. Last evaluated: 2019-05-15. Review status: criteria provided, single submitter. Criteria: ACMG Guidelines, 2015. Collection method: clinical testing. Allele origin: unknown. Affected: yes.

Literature cited by the submitters: PubMed 34085946 (cited by Ambry Genetics).